The following is an entry in ClinVar:

NC_000002.11:g.(?_237481970)_(238305470_?)del

Genes: COL6A3 (collagen type VI alpha 3 chain; minus strand), COPS8 (COP9 signalosome subunit 8; plus strand), ACKR3 (atypical chemokine receptor 3; plus strand). Cytogenetic location: 2q37.3.
Variant type: Deletion.
Identifiers: ClinVar variation 1071178 (VCV001071178.1).

ClinVar aggregate classification (germline): Pathogenic (1 of 4 stars; one submission).

Conditions:
Bethlem myopathy 1A. Also called: MYOPATHY, BENIGN CONGENITAL, WITH CONTRACTURES; Bethlem Muscular Dystrophy; Bethlem myopathy 1. Identifiers: Orphanet 610, MedGen CN029274, MONDO:0024530, OMIM 158810.

Submission:

Labcorp Genetics (formerly Invitae), Labcorp
Classification: Pathogenic for Bethlem myopathy 1A. Last evaluated: 2020-03-06. Review status: criteria provided, single submitter. Criteria: Invitae Variant Classification Sherloc (09022015). Collection method: clinical testing. Allele origin: germline.
Comment: A gross deletion of the genomic region encompassing the full coding sequence of the COL6A3 gene has been identified. The boundaries of this event are unknown as the deletion extends beyond the assayed region for this gene and therefore may encompass additional genes. This variant has not been reported in the literature in individuals with COL6A3-related conditions. Loss-of-function variants in COL6A3 are known to be pathogenic (PMID: 26004199). For these reasons, this variant has been classified as Pathogenic.

Literature cited by the submitters: PubMed 26004199.